The following is an entry in ClinVar:

NM_000218.3(KCNQ1):c.815G>A (p.Gly272Asp)

Gene: KCNQ1 (potassium voltage-gated channel subfamily Q member 1; plus strand). Cytogenetic location: 11p15.5.
Variant type: single nucleotide variant.
Coding change: c.815G>A on transcript NM_000218.3 (MANE Select); coding-DNA position 815, G replaced by A.
Protein change: p.Gly272Asp; replaces glycine 272 with aspartic acid.
Molecular consequence: missense variant.
Genome position (GRCh38, 1-based): chr11:2,572,880, G>A. VCF-style: chr11-2572880-G-A. GRCh37 (hg19) VCF-style: chr11-2594110-G-A.
Other names: c.815G>A (LRG_287t1); c.815G>A, p.Gly272Asp (NM_001406836.1); c.545G>A, p.Gly182Asp (NM_001406837.1); c.434G>A, p.Gly145Asp (NM_181798.2); short protein forms G272D, G145D, G182D.
Identifiers: ClinVar variation 53109 (VCV000053109.20), dbSNP rs199472726, ClinGen allele CA008316.
Genomic context (GRCh38, chr11:2,572,880, plus strand): 5'-CCGACACTGTGTGTTTTCTGGCCTAGGAGCTGATAACCACCCTGTACATCGGCTTCCTGG[G>A]CCTCATCTTCTCCTCGTACTTTGTGTACCTGGCTGAGAAGGACGCGGTGAACGAGTCAGG-3'
Protein context (NP_000209.2, residues 262-282): LITTLYIGFL[Gly272Asp]LIFSSYFVYL

ClinVar aggregate classification (germline): Pathogenic/Likely pathogenic. Review status: criteria provided, multiple submitters, no conflicts (2 of 4 stars). 6 submissions from 6 submitters: Pathogenic (4); Likely pathogenic (1). 1 of the submissions does not count toward it. Last evaluated 2025-05-21.

Conditions:
Cardiovascular phenotype. Identifiers: MedGen CN230736.
Familial long QT syndrome (RWS). Also called: Congenital long QT syndrome; Romano-Ward syndrome; VENTRICULAR FIBRILLATION WITH PROLONGED QT INTERVAL. Identifiers: Orphanet 768, MedGen C1141890, MONDO:0019171.
Atrial fibrillation, familial, 3 (ATFB3). Identifiers: MedGen C1837014, MONDO:0011857, OMIM 607554.
Long QT syndrome 1 (LQT1). Identifiers: Orphanet 101016, Orphanet 768, MedGen C4551647, MONDO:0100316, OMIM 192500, MONDO:0008646.
Beckwith-Wiedemann syndrome (BWS). Also called: Exomphalos macroglossia gigantism syndrome; EMG SYNDROME. Identifiers: Orphanet 116, MedGen C0004903, MONDO:0007534, OMIM 130650.
Jervell and Lange-Nielsen syndrome 1 (JLNS1). Also called: CARDIOAUDITORY SYNDROME OF JERVELL AND LANGE-NIELSEN; DEAFNESS, CONGENITAL, AND FUNCTIONAL HEART DISEASE; PROLONGED QT INTERVAL IN EKG AND SUDDEN DEATH; SURDO-CARDIAC SYNDROME. Identifiers: Orphanet 768, Orphanet 90647, MedGen C4551509, MONDO:0024540, OMIM 220400.
Short QT syndrome type 2. Identifiers: Orphanet 51083, MedGen C1865019, MONDO:0012313, OMIM 609621.
Long QT syndrome (LQTS). Identifiers: MedGen C0023976, MeSH D008133, MONDO:0002442. Disease mechanism: loss of function. Inheritance: Various modes of inheritance.

Allele frequency attached by ClinVar (database versions not stated): gnomAD exomes 0.00001; TOPMed below 0.00001; ExAC 0.00001.
gnomAD v4.1: 4 of 1,613,806 alleles (0.00025%); highest among the groups gnomAD compares: Admixed American, 0.0067%; no homozygotes.

Submissions (6):

GeneDx
Classification: Pathogenic. Last evaluated: 2025-05-21. Review status: criteria provided, single submitter. Criteria: GeneDx Variant Classification Process June 2021. Collection method: clinical testing. Allele origin: germline. Affected: yes.
Comment: Not observed at significant frequency in large population cohorts (gnomAD); In silico analysis supports that this missense variant has a deleterious effect on protein structure/function; This variant is associated with the following publications: (PMID: 19862833, 19815527, 22949429, 19716085, 11140949, 11530100, 26669661, 22629021, 16414944, 19841300, 1346223, 31226583)

Labcorp Genetics (formerly Invitae), Labcorp
Classification: Pathogenic for Long QT syndrome. Last evaluated: 2024-03-13. Review status: criteria provided, single submitter. Criteria: Invitae Variant Classification Sherloc (09022015). Collection method: clinical testing. Allele origin: germline.
Comment: This sequence change replaces glycine, which is neutral and non-polar, with aspartic acid, which is acidic and polar, at codon 272 of the KCNQ1 protein (p.Gly272Asp). This variant is present in population databases (rs199472726, gnomAD 0.006%). This missense change has been observed in individual(s) with Jervell and Lange-Nielsen syndrome and/or long QT syndrome (PMID: 11140949, 16414944, 19716085, 22629021; Invitae). In at least one individual the data is consistent with being in trans (on the opposite chromosome) from a pathogenic variant. It has also been observed to segregate with disease in related individuals. ClinVar contains an entry for this variant (Variation ID: 53109). Advanced modeling of protein sequence and biophysical properties (such as structural, functional, and spatial information, amino acid conservation, physicochemical variation, residue mobility, and thermodynamic stability) performed at Invitae indicates that this missense variant is expected to disrupt KCNQ1 protein function with a positive predictive value of 95%. For these reasons, this variant has been classified as Pathogenic.

Fulgent Genetics
Classification: Likely pathogenic for Beckwith-Wiedemann syndrome; Long QT syndrome 1; Jervell and Lange-Nielsen syndrome 1; Atrial fibrillation, familial, 3; Short QT syndrome type 2. Last evaluated: 2021-08-26. Review status: criteria provided, single submitter. Criteria: ACMG Guidelines, 2015. Collection method: clinical testing. Allele origin: unknown.

Women's Health and Genetics/Laboratory Corporation of America, LabCorp
Classification: Pathogenic for Long QT syndrome. Last evaluated: 2021-08-20. Review status: criteria provided, single submitter. Criteria: LabCorp Variant Classification Summary - May 2015. Collection method: clinical testing. Allele origin: germline.
Comment: Variant summary: KCNQ1 c.815G>A (p.Gly272Asp) results in a non-conservative amino acid change located in the ion transport domain (IPR005821) of the encoded protein sequence. Four of five in-silico tools predict a damaging effect of the variant on protein function. The variant allele was found at a frequency of 8e-06 in 250430 control chromosomes (gnomAD). c.815G>A has been reported in the literature in compound heterozygous individuals affected with Jervell and Lange-Nielsen Syndrome (JLNS) (Tyson_2000; Gao_2012), as well as in heterozygous carriers affected with long QT syndrome (e.g. Napolitano_2005, Kapa_2009, Kapplinger_2009, Itoh_2016). These data indicate that the variant is very likely to be associated with disease. A publication also reported experimental evidence evaluating an impact on protein function, utilizing iPSCs derived from one of the reported JLNS patients (Gao_2012), however this study did not examine the variant in isolation, therefore, does not allow clear conclusions about the variant effect (Wang_2019). Two clinical diagnostic laboratories have submitted clinical-significance assessments for this variant to ClinVar after 2014, and both of them classified the variant as pathogenic. Based on the evidence outlined above, the variant was classified as pathogenic.

Ambry Genetics
Classification: Pathogenic for Cardiovascular phenotype. Last evaluated: 2021-03-08. Review status: criteria provided, single submitter. Criteria: Ambry Variant Classification Scheme 2023. Collection method: clinical testing. Allele origin: germline.
Comment: The c.815G>A (p.G272D) alteration is located in coding exon 6 of the KCNQ1 gene. This alteration results from a G to A substitution at nucleotide position 815, causing the glycine (G) at amino acid position 272 to be replaced by an aspartic acid (D). Based on data from the Genome Aggregation Database (gnomAD) database, the KCNQ1 c.815G>A alteration was observed in 0.0008% (2/250430) of total alleles studied, with a frequency of 0.01% (2/34540) in the Latino subpopulation. This alteration has been reported in trans with a KCNQ1 mutation in families with Jervell Lange-Nielsen syndrome (Jeffery, 1992; Tyson 2000; Gao, 2012). In addition, it was also detected in individuals referred to molecular testing for long QT syndrome; however, clinical details were limited (Napolitano, 2005; Kapa, 2009). The p.G272 amino acid is conserved in available vertebrate species. The p.G272D alteration is predicted to be deleterious by in silico analysis. Based on the available evidence, this alteration is classified as pathogenic.

Cardiovascular Biomedical Research Unit, Royal Brompton & Harefield NHS Foundation Trust
No classification provided. Condition: Familial long QT syndrome. Review status: no classification provided. Collection method: literature only. Allele origin: germline. Not counted in ClinVar's aggregate classification.
Comment: This variant has been reported as associated with Long QT syndrome in the following publications (PMID:11140949;PMID:16414944;PMID:19716085;PMID:19841300). This is a literature report, and does not necessarily reflect the clinical interpretation of the Imperial College / Royal Brompton Cardiovascular Genetics laboratory.

Literature cited by the submitters: PubMed 11140949 (cited by 4 submitters); PubMed 16414944 (cited by 4 submitters); PubMed 19716085 (cited by 3 submitters); PubMed 22629021 (cited by 3 submitters); PubMed 19841300 (cited by 3 submitters); PubMed 26669661 (cited by Women's Health and Genetics/Laboratory Corporation of America, LabCorp); PubMed 32936022 (cited by Women's Health and Genetics/Laboratory Corporation of America, LabCorp); PubMed 31226583 (cited by Women's Health and Genetics/Laboratory Corporation of America, LabCorp); PubMed 1346223 (cited by Ambry Genetics); PubMed 22581653 (cited by Cardiovascular Biomedical Research Unit, Royal Brompton & Harefield NHS Foundation Trust).